The following is an entry in ClinVar:

NM_001368397.1(FRMPD4):c.681+504C>A

Gene: FRMPD4 (FERM and PDZ domain containing 4; plus strand). Cytogenetic location: Xp22.2.
Variant type: single nucleotide variant.
Coding change: c.681+504C>A on transcript NM_001368397.1 (MANE Select); 504 bases into the intron after coding-DNA position 681, C replaced by A.
Molecular consequence: intron variant.
Genome position (GRCh38, 1-based): chrX:12,686,708, C>A. VCF-style: chrX-12686708-C-A. GRCh37 (hg19) VCF-style: chrX-12704827-C-A.
Other names: c.792+504C>A (NM_001368398.3, NM_001368395.3); c.657+504C>A (NM_001368402.3, NM_001368401.1); c.561+504C>A (NM_001368400.3); c.672+504C>A (NM_001368399.3); c.681+504C>A (NM_014728.3); c.687+504C>A (NM_001368396.3).
Identifiers: ClinVar variation 2626984 (VCV002626984.1), dbSNP rs906030491, ClinGen allele CA326096796.

ClinVar aggregate classification (germline): Uncertain significance (1 of 4 stars; one submission).

Allele frequency attached by ClinVar (database versions not stated): TOPMed 0.00001.

Submission:

Greenwood Genetic Center Diagnostic Laboratories, Greenwood Genetic Center
Classification: Uncertain significance. Last evaluated: 2023-07-13. Review status: criteria provided, single submitter. Criteria: ACMG Guidelines, 2015. Collection method: clinical testing. Allele origin: germline. Affected: yes.
Comment: PM2